The following is an entry in ClinVar:

NM_000368.5(TSC1):c.2674A>G (p.Arg892Gly)

Gene: TSC1 (TSC complex subunit 1; minus strand). Cytogenetic location: 9q34.13.
Variant type: single nucleotide variant.
Coding change: c.2674A>G on transcript NM_000368.5 (MANE Select); coding-DNA position 2674, A replaced by G.
Protein change: p.Arg892Gly; replaces arginine 892 with glycine.
Molecular consequence: missense variant. On other transcripts: non-coding transcript variant (5).
Genome position (GRCh38, 1-based): chr9:132,897,562, T>C on the plus strand (A>G on the coding strand, the complement: TSC1 is on the minus strand). VCF-style: chr9-132897562-T-C. GRCh37 (hg19) VCF-style: chr9-135772949-T-C.
Other names: c.2632A>G, p.Arg878Gly (NM_001406607.1, NM_001406606.1, NM_001406605.1); c.2629A>G, p.Arg877Gly (NM_001406608.1, NM_001406609.1); c.2521A>G, p.Arg841Gly (NM_001406610.1, NM_001162427.2); c.2518A>G, p.Arg840Gly (NM_001406611.1, NM_001406612.1); c.2476A>G, p.Arg826Gly (NM_001406613.1); c.2311A>G, p.Arg771Gly (NM_001406614.1, NM_001406615.1, NM_001362177.2 and 4 more transcripts); c.1621A>G, p.Arg541Gly (NM_001406629.1, NM_001406630.1); c.1723A>G, p.Arg575Gly (NM_001406626.1); and 8 more; short protein forms R575G, R757G, R770G, R771G, R574G, R826G, R840G, R887G.
Identifiers: ClinVar variation 2817308 (VCV002817308.3), dbSNP rs2131637455, ClinGen allele CA375369532.

ClinVar aggregate classification (germline): Uncertain significance (1 of 4 stars; one submission).

Conditions:
Tuberous sclerosis 1 (TSC1). Identifiers: Orphanet 805, MedGen C1854465, MONDO:0008612, OMIM 191100.

Submission:

Labcorp Genetics (formerly Invitae), Labcorp
Classification: Uncertain significance for Tuberous sclerosis 1. Last evaluated: 2022-11-29. Review status: criteria provided, single submitter. Criteria: Invitae Variant Classification Sherloc (09022015). Collection method: clinical testing. Allele origin: germline.
Comment: This sequence change replaces arginine, which is basic and polar, with glycine, which is neutral and non-polar, at codon 892 of the TSC1 protein (p.Arg892Gly). This variant is not present in population databases (gnomAD no frequency). This variant has not been reported in the literature in individuals affected with TSC1-related conditions. Advanced modeling of protein sequence and biophysical properties (such as structural, functional, and spatial information, amino acid conservation, physicochemical variation, residue mobility, and thermodynamic stability) performed at Invitae indicates that this missense variant is not expected to disrupt TSC1 protein function. In summary, the available evidence is currently insufficient to determine the role of this variant in disease. Therefore, it has been classified as a Variant of Uncertain Significance.